The following is an entry in ClinVar:

NM_000845.3(GRM8):c.29C>G (p.Ser10Cys)

Gene: GRM8 (glutamate metabotropic receptor 8; minus strand). Cytogenetic location: 7q31.33.
Variant type: single nucleotide variant.
Coding change: c.29C>G on transcript NM_000845.3 (MANE Select); coding-DNA position 29, C replaced by G.
Protein change: p.Ser10Cys; replaces serine 10 with cysteine.
Molecular consequence: missense variant. On other transcripts: non-coding transcript variant (2), intron variant (1).
Genome position (GRCh38, 1-based): chr7:127,243,176, G>C on the plus strand (C>G on the coding strand, the complement: GRM8 is on the minus strand). VCF-style: chr7-127243176-G-C. GRCh37 (hg19) VCF-style: chr7-126883230-G-C.
Other names: c.29C>G, p.Ser10Cys (NM_001127323.1, NM_001371083.1, NM_001371084.1 and 3 more transcripts); c.-106+9621C>G (NM_001371087.1); short protein forms S10C.
Identifiers: ClinVar variation 769732 (VCV000769732.7), dbSNP rs769194, ClinGen allele CA4466281.
Genomic context (GRCh38, chr7:127,243,176, plus strand): 5'-CTTTGCATCATTGTGAGGATCCAGTAGAACTTGGCGGTCAAGAGGAAGAAACAAGGGCAA[G>C]AGGCTGATCGCTTTCCCTCGCATACCATTTTCTCCACAGGTGGTATTGCAATCCAAGACC-3'
Protein context (NP_000836.2, residues 1-20): MVCEGKRSA[Ser10Cys]CPCFFLLTAK

ClinVar aggregate classification (germline): Benign. Review status: criteria provided, multiple submitters, no conflicts (2 of 4 stars). 3 submissions from 3 submitters: Benign (2). 1 of the submissions does not count toward it. Last evaluated 2019-12-31.

Conditions:
GRM8-related disorder. Also called: GRM8-related condition.

Allele frequency attached by ClinVar (database versions not stated): gnomAD exomes 0.00048 and 0.00227; 1000 Genomes Project 0.00120; gnomAD 0.00122 and 0.00126; 1000 Genomes Project 30x 0.00156; ExAC 0.00163; TOPMed 0.00178.
gnomAD v4.1: 879 of 1,611,230 alleles (0.055%); highest among the groups gnomAD compares: Admixed American, 1.4%; 9 homozygotes.

Submissions (3):

Labcorp Genetics (formerly Invitae), Labcorp
Classification: Benign. Last evaluated: 2019-12-31. Review status: criteria provided, single submitter. Criteria: Invitae Variant Classification Sherloc (09022015). Collection method: clinical testing. Allele origin: germline.

Breakthrough Genomics
Classification: Benign. Review status: criteria provided, single submitter. Criteria: ACMG Guidelines, 2015. Collection method: not provided. Allele origin: germline. Inheritance: Unknown mechanism. Affected: yes.

PreventionGenetics, part of Exact Sciences
Classification: Benign for GRM8-related condition. Last evaluated: 2020-06-15. Review status: no assertion criteria provided. Collection method: clinical testing. Allele origin: germline. Not counted in ClinVar's aggregate classification.
Comment: This variant is classified as benign based on ACMG/AMP sequence variant interpretation guidelines (Richards et al. 2015 PMID: 25741868, with internal and published modifications).